The following is an entry in ClinVar:

ClinVar aggregate classification (germline): Likely benign. Review status: criteria provided, multiple submitters, no conflicts (2 of 4 stars). 4 submissions from 4 submitters: Likely benign (4). Last evaluated 2025-08-11.

Conditions:
Familial thoracic aortic aneurysm and aortic dissection (TAAD). Also called: Thoracic aortic aneurysms and dissections. Identifiers: Orphanet 91387, MedGen C4707243, MONDO:0019625.
Marfan syndrome (MFS). Also called: Marfan syndrome type 1; Marfan's syndrome; Marfan syndrome, classic; FBN1-Related Marfan Syndrome; MARFAN SYNDROME, TYPE I. Identifiers: Orphanet 284963, Orphanet 558, MedGen C0024796, MONDO:0007947, OMIM 154700.

Allele frequency attached by ClinVar (database versions not stated): gnomAD exomes below 0.00001.
gnomAD v4.1: 11 of 1,614,116 alleles (0.00068%); highest among the groups gnomAD compares: African/African-American, 0.0027%; no homozygotes.

Submissions (4):

Labcorp Genetics (formerly Invitae), Labcorp
Classification: Likely benign for Marfan syndrome; Familial thoracic aortic aneurysm and aortic dissection. Last evaluated: 2025-08-11. Review status: criteria provided, single submitter. Criteria: Invitae Variant Classification Sherloc (09022015). Collection method: clinical testing. Allele origin: germline.

CeGaT Center for Human Genetics Tuebingen
Classification: Likely benign. Last evaluated: 2023-06-01. Review status: criteria provided, single submitter. Criteria: CeGaT Center For Human Genetics Tuebingen Variant Classification Criteria Version 2. Collection method: clinical testing. Allele origin: germline. Affected: yes. Observed: 1 variant allele.
Comment: FBN1: PM2:Supporting, BP4, BP7

Blueprint Genetics
Classification: Likely benign. Last evaluated: 2023-03-21. Review status: criteria provided, single submitter. Criteria: ACMG Guidelines, 2015. Collection method: clinical testing. Allele origin: germline.

Color Diagnostics, LLC DBA Color Health
Classification: Likely benign for Familial thoracic aortic aneurysm and aortic dissection. Last evaluated: 2021-11-19. Review status: criteria provided, single submitter. Criteria: ACMG Guidelines, 2015. Collection method: clinical testing. Allele origin: germline.

NM_000138.5(FBN1):c.2913T>C (p.Ile971=)

Gene: FBN1 (fibrillin 1; minus strand). Cytogenetic location: 15q21.1.
Variant type: single nucleotide variant.
Coding change: c.2913T>C on transcript NM_000138.5 (MANE Select); coding-DNA position 2913, T replaced by C.
Protein change: p.Ile971=; no amino-acid change (isoleucine 971 retained).
Molecular consequence: synonymous variant.
Genome position (GRCh38, 1-based): chr15:48,490,020, A>G on the plus strand (T>C on the coding strand, the complement: FBN1 is on the minus strand). VCF-style: chr15-48490020-A-G. GRCh37 (hg19) VCF-style: chr15-48782217-A-G.
Identifiers: ClinVar variation 1148261 (VCV001148261.35), dbSNP rs2141297416, ClinGen allele CA490310929.